The following is an entry in ClinVar:

ClinVar aggregate classification (germline): Pathogenic. Review status: criteria provided, single submitter (1 of 4 stars). 2 submissions from 2 submitters: Pathogenic (1). 1 of the submissions does not count toward it. Last evaluated 2024-09-10.

Conditions:
Congenital myasthenic syndrome 2A. Also called: Myasthenic syndrome, congenital, 2a, slow-channel. Identifiers: Orphanet 590, MedGen C4225374, MONDO:0014581, OMIM 616313.

Submissions (2):

Centre of Medical Genetics, University Hospital Muenster
Classification: Pathogenic. Last evaluated: 2024-09-10. Review status: criteria provided, single submitter. Criteria: ACMG Guidelines, 2015. Collection method: clinical testing. Allele origin: unknown. Affected: yes. Observed: 1 variant allele, 1 heterozygote.
Comment: ACMG categories: PS3,PS4,PM1,PM2,PM5,PP3

OMIM
Classification: Pathogenic for MYASTHENIC SYNDROME, CONGENITAL, 2A, SLOW-CHANNEL. Last evaluated: 1996-06-01. Review status: no assertion criteria provided. Collection method: literature only. Allele origin: germline. Not counted in ClinVar's aggregate classification.

Literature cited by the submitters: PubMed 8651643 (cited by OMIM).

NM_000747.3(CHRNB1):c.853C>A (p.Leu285Met)

Gene: CHRNB1 (cholinergic receptor nicotinic beta 1 subunit; plus strand). Cytogenetic location: 17p13.1.
Variant type: single nucleotide variant.
Coding change: c.853C>A on transcript NM_000747.3 (MANE Select); coding-DNA position 853, C replaced by A.
Protein change: p.Leu285Met; replaces leucine 285 with methionine.
Molecular consequence: missense variant.
Genome position (GRCh38, 1-based): chr17:7,454,329, C>A. VCF-style: chr17-7454329-C-A. GRCh37 (hg19) VCF-style: chr17-7357648-C-A.
Other names: L263M; short protein forms L285M.
Identifiers: ClinVar variation 18373 (VCV000018373.3), dbSNP rs137852811, ClinGen allele CA128075.
Genomic context (GRCh38, chr17:7,454,329, plus strand): 5'-CCTTCTCTCTTCCCCTCTGCCCTCCAAGGAGAGAAGATGGGGCTCTCAATCTTTGCCCTG[C>A]TGACCCTTACTGTGTTCCTGCTGCTGCTGGCTGACAAAGTACCTGAGACCTCACTATCAG-3'
Protein context (NP_000738.2, residues 275-295): EKMGLSIFAL[Leu285Met]TLTVFLLLLA